The following is an entry in ClinVar:

NM_004974.4(KCNA2):c.340C>T (p.Arg114Trp)

Gene: KCNA2 (potassium voltage-gated channel subfamily A member 2; minus strand). Cytogenetic location: 1p13.3.
Variant type: single nucleotide variant.
Coding change: c.340C>T on transcript NM_004974.4 (MANE Select); coding-DNA position 340, C replaced by T.
Protein change: p.Arg114Trp; replaces arginine 114 with tryptophan.
Molecular consequence: missense variant.
Genome position (GRCh38, 1-based): chr1:110,604,443, G>A on the plus strand (C>T on the coding strand, the complement: KCNA2 is on the minus strand). VCF-style: chr1-110604443-G-A. GRCh37 (hg19) VCF-style: chr1-111147065-G-A.
Other names: c.340C>T, p.Arg114Trp (NM_001204269.2); short protein forms R114W.
Identifiers: ClinVar variation 3606249 (VCV003606249.2).

ClinVar aggregate classification (germline): Uncertain significance (1 of 4 stars; one submission).

Conditions:
Developmental and epileptic encephalopathy, 32 (DEE32). Also called: Epileptic encephalopathy, early infantile, 32. Identifiers: Orphanet 442835, MedGen C4225350, MONDO:0014607, OMIM 616366.

Submission:

Labcorp Genetics (formerly Invitae), Labcorp
Classification: Uncertain significance for Developmental and epileptic encephalopathy, 32. Last evaluated: 2024-07-06. Review status: criteria provided, single submitter. Criteria: Invitae Variant Classification Sherloc (09022015). Collection method: clinical testing. Allele origin: germline.
Comment: This sequence change replaces arginine, which is basic and polar, with tryptophan, which is neutral and slightly polar, at codon 114 of the KCNA2 protein (p.Arg114Trp). This variant is present in population databases (no rsID available, gnomAD 0.003%). This variant has not been reported in the literature in individuals affected with KCNA2-related conditions. Advanced modeling of protein sequence and biophysical properties (such as structural, functional, and spatial information, amino acid conservation, physicochemical variation, residue mobility, and thermodynamic stability) performed at Invitae indicates that this missense variant is expected to disrupt KCNA2 protein function with a positive predictive value of 80%. In summary, the available evidence is currently insufficient to determine the role of this variant in disease. Therefore, it has been classified as a Variant of Uncertain Significance.